The following is an entry in ClinVar:

ClinVar aggregate classification (germline): Uncertain significance (1 of 4 stars; one submission).

Conditions:
Fanconi anemia complementation group O. Also called: RAD51C-Related Fanconi Anemia. Identifiers: Orphanet 84, MedGen C3150653, MONDO:0013248, OMIM 613390.

Submission:

Labcorp Genetics (formerly Invitae), Labcorp
Classification: Uncertain significance for Fanconi anemia complementation group O. Last evaluated: 2023-11-02. Review status: criteria provided, single submitter. Criteria: Invitae Variant Classification Sherloc (09022015). Collection method: clinical testing. Allele origin: germline.
Comment: This sequence change replaces threonine, which is neutral and polar, with proline, which is neutral and non-polar, at codon 349 of the RAD51C protein (p.Thr349Pro). This variant is not present in population databases (gnomAD no frequency). This variant has not been reported in the literature in individuals affected with RAD51C-related conditions. An algorithm developed to predict the effect of missense changes on protein structure and function (PolyPhen-2) suggests that this variant is likely to be tolerated. In summary, the available evidence is currently insufficient to determine the role of this variant in disease. Therefore, it has been classified as a Variant of Uncertain Significance.

NM_058216.3(RAD51C):c.1045A>C (p.Thr349Pro)

Gene: RAD51C (RAD51 paralog C; plus strand). Cytogenetic location: 17q22.
Variant type: single nucleotide variant.
Coding change: c.1045A>C on transcript NM_058216.3 (MANE Select); coding-DNA position 1045, A replaced by C.
Protein change: p.Thr349Pro; replaces threonine 349 with proline.
Molecular consequence: missense variant. On other transcripts: non-coding transcript variant (1).
Genome position (GRCh38, 1-based): chr17:58,734,136, A>C. VCF-style: chr17-58734136-A-C. GRCh37 (hg19) VCF-style: chr17-56811497-A-C.
Other names: c.*473A>C (NM_058217.1); short protein forms T349P.
Identifiers: ClinVar variation 2692691 (VCV002692691.3), dbSNP rs1567818564, ClinGen allele CA400365992.